The following is an entry in ClinVar:

NM_023110.3(FGFR1):c.274G>A (p.Val92Met)

Gene: FGFR1 (fibroblast growth factor receptor 1; minus strand). Cytogenetic location: 8p11.23.
Variant type: single nucleotide variant.
Coding change: c.274G>A on transcript NM_023110.3 (MANE Select); coding-DNA position 274, G replaced by A.
Protein change: p.Val92Met; replaces valine 92 with methionine.
Molecular consequence: missense variant. On other transcripts: intron variant (5).
Genome position (GRCh38, 1-based): chr8:38,429,766, C>T on the plus strand (G>A on the coding strand, the complement: FGFR1 is on the minus strand). VCF-style: chr8-38429766-C-T. GRCh37 (hg19) VCF-style: chr8-38287284-C-T.
Other names: c.274G>A, p.Val92Met (NM_001174063.2, NM_001174065.2, NM_001354367.2 and 2 more transcripts); c.250G>A, p.Val84Met (NM_001174064.2); c.373G>A, p.Val125Met (NM_001174067.2); c.92-1331G>A (NM_001354368.2, NM_001354370.2, NM_023106.3 and 2 more transcripts); short protein forms V125M, V84M, V92M.
Identifiers: ClinVar variation 911004 (VCV000911004.13), dbSNP rs755828990, ClinGen allele CA4718831.
Genomic context (GRCh38, chr8:38,429,766, plus strand): 5'-TGGTGTCACTGCCCGAGGGGCTGCTGGTTACGCAAGCATAGAGGCCGGAGTCTGCGGGCA[C>T]GGAGTCCTGCACCTCCACCTCCTCCCCTGTGATGCGGGTGCGGTTGCTTTCCGCCAGCTG-3'
Protein context (NP_075598.2, residues 82-102): TGEEVEVQDS[Val92Met]PADSGLYACV

ClinVar aggregate classification (germline): Conflicting classifications of pathogenicity. Review status: criteria provided, conflicting classifications (1 of 4 stars). 8 submissions from 5 submitters: Uncertain significance (2); Benign (3); Likely benign (3). Last evaluated 2025-12-24.

Conditions:
Hypogonadotropic hypogonadism 2 with or without anosmia (HH2). Also called: HYPOGONADOTROPIC HYPOGONADISM 2 WITHOUT ANOSMIA; HYPOGONADOTROPIC HYPOGONADISM 2 WITH OR WITHOUT ANOSMIA, SUSCEPTIBILITY TO; HYPOGONADOTROPIC HYPOGONADISM 2 WITHOUT ANOSMIA, SUSCEPTIBILITY TO; FGFR1-Related GnRH Deficiency (Kallmann Syndrome 2). Identifiers: Orphanet 478, MedGen C1563720, MONDO:0007844, OMIM 147950. Disease mechanism: loss of function.
Pfeiffer syndrome (ACS5). Also called: ACS V. Identifiers: Orphanet 710, MedGen C0220658, MONDO:0007043, OMIM 101600.
Trigonocephaly 1 (TRIGNO1). Identifiers: Orphanet 3366, MedGen C0432122, MONDO:0008603, OMIM 190440.
FGFR1-related disorder. Also called: FGFR1-related condition; FGFR1-related disorders. Identifiers: MedGen CN380097.
Osteoglophonic dysplasia (OGD). Also called: Osteoglophonic dwarfism. Identifiers: Orphanet 2645, MedGen C0432283, MONDO:0008150, OMIM 166250.
Encephalocraniocutaneous lipomatosis (ECCL). Identifiers: Orphanet 2396, MedGen C0406612, MONDO:0013074, OMIM 613001.
Hartsfield-Bixler-Demyer syndrome (HRTFDS). Also called: Holoprosencephaly, ectrodactyly, and bilateral cleft lip/palate; Hartsfield syndrome; FGFR1-Related Hartsfield Syndrome. Identifiers: Orphanet 2117, MedGen C1845146, MONDO:0014196, OMIM 615465. Disease mechanism: loss of function.
Jackson-Weiss syndrome (JWS). Also called: CRANIOSYNOSTOSIS, MIDFACIAL HYPOPLASIA, AND FOOT ABNORMALITIES. Identifiers: Orphanet 1540, MedGen C0795998, MONDO:0007400, OMIM 123150. Disease mechanism: loss of function.
Craniosynostosis syndrome. Also called: Craniosynostosis. Identifiers: Orphanet 1531, MedGen C0010278, MeSH D003398, MONDO:0015469, HP:0001363.

Allele frequency attached by ClinVar (database versions not stated): gnomAD 0.00001; TOPMed 0.00002; gnomAD exomes 0.00004 and 0.00008; ExAC 0.00010.
gnomAD v4.1: 62 of 1,606,034 alleles (0.0039%); highest among the groups gnomAD compares: East Asian, 0.052%; no homozygotes.

Submissions (8):

Labcorp Genetics (formerly Invitae), Labcorp
Classification: Uncertain significance for Pfeiffer syndrome; Hypogonadotropic hypogonadism 2 with or without anosmia. Last evaluated: 2025-12-24. Review status: criteria provided, single submitter. Criteria: Invitae Variant Classification Sherloc (09022015). Collection method: clinical testing. Allele origin: germline.
Comment: This sequence change replaces valine, which is neutral and non-polar, with methionine, which is neutral and non-polar, at codon 92 of the FGFR1 protein (p.Val92Met). This variant is present in population databases (rs755828990, gnomAD 0.03%), and has an allele count higher than expected for a pathogenic variant. This variant has not been reported in the literature in individuals affected with FGFR1-related conditions. ClinVar contains an entry for this variant (Variation ID: 911004). Invitae Evidence Modeling of protein sequence and biophysical properties (such as structural, functional, and spatial information, amino acid conservation, physicochemical variation, residue mobility, and thermodynamic stability) has been performed for this missense variant. However, the output from this modeling did not meet the statistical confidence thresholds required to predict the impact of this variant on FGFR1 protein function. In summary, the available evidence is currently insufficient to determine the role of this variant in disease. Therefore, it has been classified as a Variant of Uncertain Significance.

PreventionGenetics, part of Exact Sciences
Classification: Likely benign for FGFR1-related condition. Last evaluated: 2025-08-26. Review status: criteria provided, single submitter. Criteria: ACMG Guidelines, 2015. Collection method: clinical testing. Allele origin: germline.
Comment: This variant is classified as likely benign based on ACMG/AMP sequence variant interpretation guidelines (Richards et al. 2015 PMID: 25741868, with internal and published modifications).

Fulgent Genetics
Classification: Uncertain significance for Pfeiffer syndrome; Jackson-Weiss syndrome; Hypogonadotropic hypogonadism 2 with or without anosmia; Osteoglophonic dysplasia; Trigonocephaly 1; Encephalocraniocutaneous lipomatosis; Hartsfield-Bixler-Demyer syndrome. Last evaluated: 2024-05-23. Review status: criteria provided, single submitter. Criteria: ACMG Guidelines, 2015. Collection method: clinical testing. Allele origin: germline.

Blueprint Genetics
Classification: Likely benign. Last evaluated: 2021-04-22. Review status: criteria provided, single submitter. Criteria: ACMG Guidelines, 2015. Collection method: clinical testing. Allele origin: germline.

Illumina Laboratory Services, Illumina
Classification: Benign for Trigonocephaly 1. Last evaluated: 2018-01-13. Review status: criteria provided, single submitter. Criteria: ICSL Variant Classification Criteria 13 December 2019. Collection method: clinical testing. Allele origin: germline.
Comment: This variant was observed in the ICSL laboratory as part of a predisposition screen in an ostensibly healthy population. It had not been previously curated by ICSL or reported in the Human Gene Mutation Database (HGMD: prior to June 1st, 2018), and was therefore a candidate for classification through an automated scoring system. Utilizing variant allele frequency, disease prevalence and penetrance estimates, and inheritance mode, an automated score was calculated to assess if this variant is too frequent to cause the disease. Based on the score and internal cut-off values, a variant classified as benign is not then subjected to further curation. The score for this variant resulted in a classification of benign for this disease.

Illumina Laboratory Services, Illumina
Classification: Benign for Osteoglophonic dysplasia. Last evaluated: 2018-01-13. Review status: criteria provided, single submitter. Criteria: ICSL Variant Classification Criteria 13 December 2019. Collection method: clinical testing. Allele origin: germline.
Comment: the same text as in the submission from Illumina Laboratory Services, Illumina above.

Illumina Laboratory Services, Illumina
Classification: Benign for Craniosynostosis. Last evaluated: 2018-01-13. Review status: criteria provided, single submitter. Criteria: ICSL Variant Classification Criteria 13 December 2019. Collection method: clinical testing. Allele origin: germline.
Comment: the same text as in the submission from Illumina Laboratory Services, Illumina above.

Illumina Laboratory Services, Illumina
Classification: Likely benign for Hypogonadotropic hypogonadism 2 with or without anosmia. Last evaluated: 2018-01-13. Review status: criteria provided, single submitter. Criteria: ICSL Variant Classification Criteria 13 December 2019. Collection method: clinical testing. Allele origin: germline.
Comment: This variant was observed in the ICSL laboratory as part of a predisposition screen in an ostensibly healthy population. It had not been previously curated by ICSL or reported in the Human Gene Mutation Database (HGMD: prior to June 1st, 2018), and was therefore a candidate for classification through an automated scoring system. Utilizing variant allele frequency, disease prevalence and penetrance estimates, and inheritance mode, an automated score was calculated to assess if this variant is too frequent to cause the disease. Based on the score and internal cut-off values, a variant classified as likely benign is not then subjected to further curation. The score for this variant resulted in a classification of likely benign for this disease.